The following is an entry in ClinVar:

ClinVar aggregate classification (germline): Uncertain significance (1 of 4 stars; one submission).

Conditions:
Vici syndrome (VICIS). Identifiers: Orphanet 1493, MedGen C1855772, MONDO:0009452, OMIM 242840.

Allele frequency attached by ClinVar (database versions not stated): gnomAD 0.00001; TOPMed 0.00002; gnomAD exomes 0.00004 and 0.00012.
gnomAD v4.1: 171 of 1,614,098 alleles (0.011%); highest among the groups gnomAD compares: Non-Finnish European, 0.014%; no homozygotes.

Submission:

Labcorp Genetics (formerly Invitae), Labcorp
Classification: Uncertain significance for Vici syndrome. Last evaluated: 2021-08-26. Review status: criteria provided, single submitter. Criteria: Invitae Variant Classification Sherloc (09022015). Collection method: clinical testing. Allele origin: germline.
Comment: This sequence change replaces glutamic acid with aspartic acid at codon 2272 of the EPG5 protein (p.Glu2272Asp). The glutamic acid residue is highly conserved and there is a small physicochemical difference between glutamic acid and aspartic acid. This variant is present in population databases (rs766271900, ExAC 0.007%). This variant has not been reported in the literature in individuals affected with EPG5-related conditions. Algorithms developed to predict the effect of missense changes on protein structure and function are either unavailable or do not agree on the potential impact of this missense change (SIFT: "Tolerated"; PolyPhen-2: "Probably Damaging"; Align-GVGD: "Class C0"). In summary, the available evidence is currently insufficient to determine the role of this variant in disease. Therefore, it has been classified as a Variant of Uncertain Significance.

NM_020964.3(EPG5):c.6816A>T (p.Glu2272Asp)

Gene: EPG5 (ectopic P-granules 5 autophagy tethering factor; minus strand). Cytogenetic location: 18q12.3.
Variant type: single nucleotide variant.
Coding change: c.6816A>T on transcript NM_020964.3 (MANE Select); coding-DNA position 6816, A replaced by T.
Protein change: p.Glu2272Asp; replaces glutamic acid 2272 with aspartic acid.
Molecular consequence: missense variant.
Genome position (GRCh38, 1-based): chr18:45,860,297, T>A on the plus strand (A>T on the coding strand, the complement: EPG5 is on the minus strand). VCF-style: chr18-45860297-T-A. GRCh37 (hg19) VCF-style: chr18-43440262-T-A.
Other names: short protein forms E2272D.
Identifiers: ClinVar variation 1034448 (VCV001034448.7), dbSNP rs766271900, ClinGen allele CA8948143.